The following is an entry in ClinVar:

ClinVar aggregate classification (germline): Conflicting classifications of pathogenicity. Review status: criteria provided, conflicting classifications (1 of 4 stars). 2 submissions from 2 submitters: Pathogenic (1); Uncertain significance (1). Last evaluated 2024-08-15.

Allele frequency attached by ClinVar (database versions not stated): gnomAD exomes below 0.00001.

Submissions (4):

GeneDx
Classification: Pathogenic. Last evaluated: 2024-08-15. Review status: criteria provided, single submitter. Criteria: GeneDx Variant Classification Process June 2021. Collection method: clinical testing. Allele origin: germline. Affected: yes.
Comment: Not observed at significant frequency in large population cohorts (gnomAD); Canonical splice site variant predicted to result in a null allele in a gene for which loss of function is a known mechanism of disease; This variant is associated with the following publications: (PMID: 31079897)

Broad Center for Mendelian Genomics, Broad Institute of MIT and Harvard
Classification: Uncertain significance. Last evaluated: 2019-02-07. Review status: criteria provided, single submitter. Criteria: ACMG Guidelines, 2015. Collection method: research. Allele origin: de novo. Inheritance: Autosomal dominant inheritance. Affected: yes.
Comment: The c.556+1G>A variant in KMT2E has not been previously reported in individuals with developmental delay or epilepsy and was absent from large population studies. This variant occurs in the invariant region (+/- 1/2) of the splice consensus sequence and is predicted to cause altered splicing leading to an abnormal or absent protein. This alteration is then predicted to lead to a truncated or absent protein. It is of note, that loss of function of the KMT2E gene in autosomal dominant disease has not yet been established based on the criteria laid out in Tayoun, 2018 (PMID: 30192042). In summary, while there is some suspicion for a pathogenic role, the clinical significance of this variant is uncertain.

Dr. Peter K. Rogan Lab, Western University
No classification provided (evidence only). Condition: Ovarian serous cystadenocarcinoma. Review status: no classification provided. Collection method: in vitro. Allele origin: not applicable. Functional consequence: retained intron. Not counted in ClinVar's aggregate classification.

Dr. Peter K. Rogan Lab, Western University
No classification provided (evidence only). Condition: Ovarian serous cystadenocarcinoma. Review status: no classification provided. Collection method: in vitro. Allele origin: not applicable. Functional consequence: retained intron. Not counted in ClinVar's aggregate classification.

NM_182931.3(KMT2E):c.556+1G>A

Gene: KMT2E (lysine methyltransferase 2E (inactive); plus strand). Cytogenetic location: 7q22.3.
Variant type: single nucleotide variant.
Coding change: c.556+1G>A on transcript NM_182931.3 (MANE Select); the canonical splice donor site of the intron after coding-DNA position 556, G replaced by A.
Molecular consequence: splice donor variant.
Genome position (GRCh38, 1-based): chr7:105,073,678, G>A. VCF-style: chr7-105073678-G-A. GRCh37 (hg19) VCF-style: chr7-104714125-G-A.
Other names: NC_000007.13:g.104714125G>A; c.556+1G>A (NM_001410908.1, NM_018682.4).
Identifiers: ClinVar variation 805899 (VCV000805899.4), dbSNP rs1584761229, ClinGen allele CA368775737.